The following is an entry in ClinVar:

NM_178014.4(TUBB):c.361C>T (p.Arg121Trp)

Gene: TUBB (tubulin beta class I; plus strand). Cytogenetic location: 6p21.33.
Variant type: single nucleotide variant.
Coding change: c.361C>T on transcript NM_178014.4 (MANE Select); coding-DNA position 361, C replaced by T.
Protein change: p.Arg121Trp; replaces arginine 121 with tryptophan.
Molecular consequence: missense variant.
Genome position (GRCh38, 1-based): chr6:30,723,423, C>T. VCF-style: chr6-30723423-C-T. GRCh37 (hg19) VCF-style: chr6-30691200-C-T.
Other names: c.421C>T, p.Arg141Trp (NM_001293212.2); c.361C>T, p.Arg121Trp (NM_001293213.2); c.229C>T, p.Arg77Trp (NM_001293214.2); c.145C>T, p.Arg49Trp (NM_001293215.2, NM_001293216.2); short protein forms R121W, R141W, R49W, R77W.
Identifiers: ClinVar variation 1207471 (VCV001207471.9), dbSNP rs772730239, ClinGen allele CA136809327.

ClinVar aggregate classification (germline): Conflicting classifications of pathogenicity. Review status: criteria provided, conflicting classifications (1 of 4 stars). 2 submissions from 2 submitters: Likely pathogenic (1); Uncertain significance (1). Last evaluated 2026-08-31.

Conditions:
Skin creases, congenital symmetric circumferential, 1. Also called: SKIN CREASES, MULTIPLE BENIGN RING-SHAPED, OF LIMBS; CIRCUMFERENTIAL SKIN CREASES, KUNZE TYPE; MICHELIN TIRE BABY SYNDROME; Multiple benign circumferential skin creases on limbs 1. Identifiers: MedGen C4551592, MONDO:0020738, OMIM 156610.

Submissions (2):

GeneDx
Classification: Likely pathogenic. Last evaluated: 2026-08-31. Review status: criteria provided, single submitter. Criteria: GeneDx Variant Classification Process June 2021. Collection method: clinical testing. Allele origin: germline.
Comment: Not observed at significant frequency in large population cohorts (gnomAD); In silico analysis supports that this missense variant has a deleterious effect on protein structure/function; This variant is associated with the following publications: (PMID: 33413009)

Institute of Human Genetics, University of Leipzig Medical Center
Classification: Uncertain significance for Skin creases, congenital symmetric circumferential, 1. Last evaluated: 2021-09-23. Review status: criteria provided, single submitter. Criteria: ACMG Guidelines, 2015. Collection method: clinical testing. Allele origin: de novo. Affected: yes.